The following is an entry in ClinVar:

ClinVar aggregate classification (germline): Uncertain significance (1 of 4 stars; one submission).

Conditions:
Tuberous sclerosis 1 (TSC1). Identifiers: Orphanet 805, MedGen C1854465, MONDO:0008612, OMIM 191100.

Allele frequency attached by ClinVar (database versions not stated): gnomAD exomes below 0.00001.
gnomAD v4.1: 1 of 1,614,186 alleles (0.000062%); highest among the groups gnomAD compares: Non-Finnish European, 0.000085%; no homozygotes.

Submission:

Labcorp Genetics (formerly Invitae), Labcorp
Classification: Uncertain significance for Tuberous sclerosis 1. Last evaluated: 2023-09-12. Review status: criteria provided, single submitter. Criteria: Invitae Variant Classification Sherloc (09022015). Collection method: clinical testing. Allele origin: germline.
Comment: This variant has not been reported in the literature in individuals affected with TSC1-related conditions. Advanced modeling of protein sequence and biophysical properties (such as structural, functional, and spatial information, amino acid conservation, physicochemical variation, residue mobility, and thermodynamic stability) performed at Invitae indicates that this missense variant is not expected to disrupt TSC1 protein function. In summary, the available evidence is currently insufficient to determine the role of this variant in disease. Therefore, it has been classified as a Variant of Uncertain Significance. This variant is not present in population databases (gnomAD no frequency). This sequence change replaces glutamic acid, which is acidic and polar, with valine, which is neutral and non-polar, at codon 647 of the TSC1 protein (p.Glu647Val).

NM_000368.5(TSC1):c.1940A>T (p.Glu647Val)

Gene: TSC1 (TSC complex subunit 1; minus strand). Cytogenetic location: 9q34.13.
Variant type: single nucleotide variant.
Coding change: c.1940A>T on transcript NM_000368.5 (MANE Select); coding-DNA position 1940, A replaced by T.
Protein change: p.Glu647Val; replaces glutamic acid 647 with valine.
Molecular consequence: missense variant. On other transcripts: non-coding transcript variant (5).
Genome position (GRCh38, 1-based): chr9:132,905,638, T>A on the plus strand (A>T on the coding strand, the complement: TSC1 is on the minus strand). VCF-style: chr9-132905638-T-A. GRCh37 (hg19) VCF-style: chr9-135781025-T-A.
Other names: c.1577A>T, p.Glu526Val (NM_001406618.1, NM_001406619.1, NM_001406624.1 and 5 more transcripts); c.1574A>T, p.Glu525Val (NM_001406620.1, NM_001406621.1, NM_001406622.1 and 2 more transcripts); c.989A>T, p.Glu330Val (NM_001406626.1); c.986A>T, p.Glu329Val (NM_001406627.1, NM_001406628.1); c.887A>T, p.Glu296Val (NM_001406629.1, NM_001406630.1); c.1937A>T, p.Glu646Val (NM_001406609.1, NM_001162426.2, NM_001406597.1 and 6 more transcripts); c.1787A>T, p.Glu596Val (NM_001406610.1, NM_001162427.2); c.1784A>T, p.Glu595Val (NM_001406611.1, NM_001406612.1, NM_001406613.1); and 1 more; short protein forms E330V, E595V, E646V, E647V, E296V, E526V, E329V, E525V.
Identifiers: ClinVar variation 3006864 (VCV003006864.3), dbSNP rs2538702567, ClinGen allele CA375362526.